The following is an entry in ClinVar:

NM_004006.3(DMD):c.8851_8861del (p.Arg2951fs)

Gene: DMD (dystrophin; minus strand). Cytogenetic location: Xp21.2.
Variant type: Deletion.
Coding change: c.8851_8861del on transcript NM_004006.3 (MANE Select); coding-DNA positions 8851 to 8861, 11 bases deleted (CGCCAAGCTGA).
Protein change: p.Arg2951fs; shifts the reading frame from arginine 2951.
Molecular consequence: frameshift variant.
Genome position (GRCh38, 1-based): chrX:31,478,182-31,478,192, TCAGCTTGGCG deleted on the plus strand (CGCCAAGCTGA on the coding strand, the reverse complement: DMD is on the minus strand). VCF-style (leftmost placement, unchanged base first): chrX-31478181-CTCAGCTTGGCG-C. GRCh37 (hg19) VCF-style: chrX-31496298-CTCAGCTTGGCG-C.
Other names: c.8827_8837del, p.Arg2943fs (NM_000109.4); c.8839_8849del, p.Arg2947fs (NM_004009.3); c.8482_8492del, p.Arg2828fs (NM_004010.3); c.4828_4838del, p.Arg1610fs (NM_004011.4); c.4819_4829del, p.Arg1607fs (NM_004012.4); c.1471_1481del, p.Arg491fs (NM_004013.3, NM_004020.4, NM_004021.3 and 2 more transcripts); c.664_674del, p.Arg222fs (NM_004014.3); short protein forms R1607fs, R1610fs, R222fs, R2828fs, R2943fs, R2947fs, R2951fs, R491fs.
Identifiers: ClinVar variation 1806429 (VCV001806429.1), dbSNP rs2525294459, ClinGen allele CA2580100577.

ClinVar aggregate classification (germline): Likely pathogenic (1 of 4 stars; one submission).

Conditions:
Duchenne muscular dystrophy (DMD). Also called: MUSCULAR DYSTROPHY, PSEUDOHYPERTROPHIC PROGRESSIVE, DUCHENNE TYPE; Duchenne Muscular Dystrophy (DMD). Identifiers: Orphanet 98896, MedGen C0013264, MONDO:0010679, OMIM 310200.

Submission:

Laboratory of Medical Genetics, National & Kapodistrian University of Athens
Classification: Likely pathogenic for Duchenne muscular dystrophy. Last evaluated: 2022-12-16. Review status: criteria provided, single submitter. Criteria: ACMG Guidelines, 2015. Collection method: clinical testing. Allele origin: germline. Affected: yes.
Comment: PVS1, PM2